The following is an entry in ClinVar:

NM_170707.4(LMNA):c.1873A>C (p.Ser625Arg)

Gene: LMNA (lamin A/C; plus strand). Cytogenetic location: 1q22.
Variant type: single nucleotide variant.
Coding change: c.1873A>C on transcript NM_170707.4 (MANE Select); coding-DNA position 1873, A replaced by C.
Protein change: p.Ser625Arg; replaces serine 625 with arginine.
Molecular consequence: missense variant. On other transcripts: intron variant (1).
Genome position (GRCh38, 1-based): chr1:156,138,662, A>C. VCF-style: chr1-156138662-A-C. GRCh37 (hg19) VCF-style: chr1-156108453-A-C.
Other names: c.1537A>C, p.Ser513Arg (NM_001257374.3); c.1783A>C, p.Ser595Arg (NM_170708.4); c.1818+55A>C (NM_001282626.2); short protein forms S595R, S625R, S513R.
Identifiers: ClinVar variation 96530 (VCV000096530.8), dbSNP rs398124550, ClinGen allele CA015267.

ClinVar aggregate classification (germline): Uncertain significance. Review status: criteria provided, multiple submitters, no conflicts (2 of 4 stars). 2 submissions from 2 submitters: Uncertain significance (2). Last evaluated 2015-08-26.

Allele frequency attached by ClinVar (database versions not stated): TOPMed 0.00012; gnomAD 0.00010; 1000 Genomes Project 0.00020; 1000 Genomes Project 30x 0.00031.
gnomAD v4.1: 49 of 1,613,618 alleles (0.003%); highest among the groups gnomAD compares: African/African-American, 0.059%; no homozygotes.

Submissions (2):

Center for Pediatric Genomic Medicine, Children's Mercy Hospital and Clinics
Classification: Uncertain significance. Last evaluated: 2015-08-26. Review status: criteria provided, single submitter. Criteria: ACMG Guidelines, 2015. Collection method: clinical testing. Allele origin: germline.
ClinVar note: Converted during submission from Uncertain Significance to Uncertain significance.

Eurofins Ntd Llc (ga)
Classification: Uncertain significance. Last evaluated: 2013-07-26. Review status: criteria provided, single submitter. Criteria: EGL Classification Definitions 2015. Collection method: clinical testing. Allele origin: germline. Observed: 1 variant allele, 1 heterozygote.